The following is an entry in ClinVar:

NM_018010.4(IFT57):c.841G>A (p.Glu281Lys)

Gene: IFT57 (intraflagellar transport 57; minus strand). Cytogenetic location: 3q13.12.
Variant type: single nucleotide variant.
Coding change: c.841G>A on transcript NM_018010.4 (MANE Select); coding-DNA position 841, G replaced by A.
Protein change: p.Glu281Lys; replaces glutamic acid 281 with lysine.
Molecular consequence: missense variant.
Genome position (GRCh38, 1-based): chr3:108,167,801, C>T on the plus strand (G>A on the coding strand, the complement: IFT57 is on the minus strand). VCF-style: chr3-108167801-C-T. GRCh37 (hg19) VCF-style: chr3-107886648-C-T.
Other names: c.841G>A (NM_018010.3); short protein forms E281K.
Identifiers: ClinVar variation 2961153 (VCV002961153.4), dbSNP rs1465855415, ClinGen allele CA353904807.
Genomic context (GRCh38, chr3:108,167,801, plus strand): 5'-TGTTCCACAGATGAGTAAATGTACATTGATTCACGTAAAGTAATTCATATACCTTGGTCT[C>T]CTTTAGAGCAGATTCAATTCCACTTCTGTGCTGGTGCATTTGGTCAACATGGATTCTCCA-3'
Protein context (NP_060480.1, residues 271-291): HRSGIESALK[Glu281Lys]TKGFLDKLHN

ClinVar aggregate classification (germline): Uncertain significance. Review status: criteria provided, multiple submitters, no conflicts (2 of 4 stars). 2 submissions from 2 submitters: Uncertain significance (2). Last evaluated 2025-05-14.

Allele frequency attached by ClinVar (database versions not stated): gnomAD 0.00001; TOPMed 0.00001; gnomAD exomes 0.00002.
gnomAD v4.1: 33 of 1,587,486 alleles (0.0021%); highest among the groups gnomAD compares: Non-Finnish European, 0.0027%; no homozygotes.

Submissions (2):

Ambry Genetics
Classification: Uncertain significance. Last evaluated: 2025-05-14. Review status: criteria provided, single submitter. Criteria: Ambry Variant Classification Scheme 2023. Collection method: clinical testing. Allele origin: germline.

Labcorp Genetics (formerly Invitae), Labcorp
Classification: Uncertain significance. Last evaluated: 2023-06-20. Review status: criteria provided, single submitter. Criteria: Invitae Variant Classification Sherloc (09022015). Collection method: clinical testing. Allele origin: germline.
Comment: In summary, the available evidence is currently insufficient to determine the role of this variant in disease. Therefore, it has been classified as a Variant of Uncertain Significance. An algorithm developed to predict the effect of missense changes on protein structure and function (PolyPhen-2) suggests that this variant is likely to be disruptive. This variant has not been reported in the literature in individuals affected with IFT57-related conditions. The frequency data for this variant in the population databases is considered unreliable, as metrics indicate poor data quality at this position in the gnomAD database. This sequence change replaces glutamic acid, which is acidic and polar, with lysine, which is basic and polar, at codon 281 of the IFT57 protein (p.Glu281Lys).